The following is an entry in ClinVar:

NM_000179.3(MSH6):c.294C>G (p.Ala98=)

Gene: MSH6 (mutS homolog 6; plus strand). Cytogenetic location: 2p16.3.
Variant type: single nucleotide variant.
Coding change: c.294C>G on transcript NM_000179.3 (MANE Select); coding-DNA position 294, C replaced by G.
Protein change: p.Ala98=; no amino-acid change (alanine 98 retained).
Molecular consequence: synonymous variant. On other transcripts: 5 prime UTR variant (2), intron variant (1).
Genome position (GRCh38, 1-based): chr2:47,790,960, C>G. VCF-style: chr2-47790960-C-G. GRCh37 (hg19) VCF-style: chr2-48018099-C-G.
Other names: c.-443C>G (NM_001281493.2); c.-609C>G (NM_001281494.2); c.237+7490C>G (NM_001281492.2).
Identifiers: ClinVar variation 628898 (VCV000628898.19), dbSNP rs1245964043, ClinGen allele CA425989108.

ClinVar aggregate classification (germline): Benign/Likely benign. Review status: criteria provided, multiple submitters, no conflicts (2 of 4 stars). 5 submissions from 5 submitters: Benign (1); Likely benign (4). Last evaluated 2025-04-08.

Conditions:
Hereditary nonpolyposis colorectal neoplasms. Identifiers: MedGen C0009405, MeSH D003123.
Lynch syndrome. Identifiers: Orphanet 144, MedGen C4552100, MONDO:0005835. Disease mechanism: loss of function.
Lynch syndrome 5 (LYNCH5). Also called: Colorectal cancer, hereditary nonpolyposis, type 5; Hereditary non-polyposis colorectal cancer, type 5. Identifiers: Orphanet 144, MedGen C1833477, MONDO:0013710, OMIM 614350. Disease mechanism: loss of function.
Hereditary cancer-predisposing syndrome. Also called: Neoplastic Syndromes, Hereditary; Tumor predisposition; Hereditary neoplastic syndrome; Hereditary Cancer Syndrome. Identifiers: Orphanet 140162, MedGen C0027672, MeSH D009386, MONDO:0015356.

Allele frequency attached by ClinVar (database versions not stated): gnomAD exomes below 0.00001; TOPMed below 0.00001; gnomAD 0.00001.
gnomAD v4.1: 3 of 1,613,992 alleles (0.00019%); highest among the groups gnomAD compares: Non-Finnish European, 0.00025%; no homozygotes.

Submissions (5):

Labcorp Genetics (formerly Invitae), Labcorp
Classification: Likely benign for Hereditary nonpolyposis colorectal neoplasms. Last evaluated: 2025-04-08. Review status: criteria provided, single submitter. Criteria: Invitae Variant Classification Sherloc (09022015). Collection method: clinical testing. Allele origin: germline.

Myriad Genetics, Inc.
Classification: Benign for Lynch syndrome 5. Last evaluated: 2024-12-18. Review status: criteria provided, single submitter. Criteria: Myriad Autosomal Dominant, Autosomal Recessive and X-Linked Classification Criteria (2023). Collection method: clinical testing. Allele origin: unknown.
Comment: This variant is considered benign. This variant is a silent/synonymous amino acid change and it is not expected to impact splicing.

All of Us Research Program, National Institutes of Health
Classification: Likely benign for Lynch syndrome. Last evaluated: 2023-03-04. Review status: criteria provided, single submitter. Criteria: ACMG Guidelines, 2015. Collection method: clinical testing. Allele origin: germline. Inheritance: Autosomal dominant inheritance. Observed: 1 variant allele, 1 heterozygote.
Comment: This study involves interpretation of variants in research participants for the purpose of population health screening. Participant phenotype was not available at the time of variant classification. Additional details can be found in publication PMID: 35346344, PMCID: PMC8962531

Ambry Genetics
Classification: Likely benign for Hereditary cancer-predisposing syndrome. Last evaluated: 2019-10-13. Review status: criteria provided, single submitter. Criteria: Ambry Variant Classification Scheme 2023. Collection method: clinical testing. Allele origin: germline.

Color Diagnostics, LLC DBA Color Health
Classification: Likely benign for Hereditary cancer-predisposing syndrome. Last evaluated: 2018-07-24. Review status: criteria provided, single submitter. Criteria: ACMG Guidelines, 2015. Collection method: clinical testing. Allele origin: germline.